The following is an entry in ClinVar:

NM_001848.3(COL6A1):c.1002+55T>C

Gene: COL6A1 (collagen type VI alpha 1 chain; plus strand). Cytogenetic location: 21q22.3.
Variant type: single nucleotide variant.
Coding change: c.1002+55T>C on transcript NM_001848.3 (MANE Select); 55 bases into the intron after coding-DNA position 1002, T replaced by C.
Molecular consequence: intron variant.
Genome position (GRCh38, 1-based): chr21:45,990,477, T>C. VCF-style: chr21-45990477-T-C. GRCh37 (hg19) VCF-style: chr21-47410391-T-C.
Identifiers: ClinVar variation 679179 (VCV000679179.2), dbSNP rs867427345, ClinGen allele CA321964701.

ClinVar aggregate classification (germline): Benign. Review status: criteria provided, multiple submitters, no conflicts (2 of 4 stars). 2 submissions from 2 submitters: Benign (2). Last evaluated 2018-06-19.

Allele frequency attached by ClinVar (database versions not stated): gnomAD 0.18016.

Submissions (2):

GeneDx
Classification: Benign. Last evaluated: 2018-06-19. Review status: criteria provided, single submitter. Criteria: GeneDx Variant Classification (06012015). Collection method: clinical testing. Allele origin: germline. Affected: yes.
Comment: This variant is considered likely benign or benign based on one or more of the following criteria: it is a conservative change, it occurs at a poorly conserved position in the protein, it is predicted to be benign by multiple in silico algorithms, and/or has population frequency not consistent with disease.

Breakthrough Genomics
Classification: Benign. Review status: criteria provided, single submitter. Criteria: ACMG Guidelines, 2015. Collection method: not provided. Allele origin: germline. Inheritance: Autosomal recessive inheritance. Affected: yes.